The following is an entry in ClinVar:

ClinVar aggregate classification (germline): Conflicting classifications of pathogenicity. Review status: criteria provided, conflicting classifications (1 of 4 stars). 3 submissions from 3 submitters: Likely pathogenic (1); Uncertain significance (2). Last evaluated 2026-01-29.

Conditions:
TSPAN12-related disorder. Also called: TSPAN12-related condition.

gnomAD v4.1: 1 of 1,613,816 alleles (0.000062%); highest among the groups gnomAD compares: Non-Finnish European, 0.000085%; no homozygotes.

Submissions (3):

Labcorp Genetics (formerly Invitae), Labcorp
Classification: Uncertain significance. Last evaluated: 2026-01-29. Review status: criteria provided, single submitter. Criteria: Invitae Variant Classification Sherloc (09022015). Collection method: clinical testing. Allele origin: germline.
Comment: This sequence change replaces glycine, which is neutral and non-polar, with glutamic acid, which is acidic and polar, at codon 78 of the TSPAN12 protein (p.Gly78Glu). This variant is not present in population databases (gnomAD no frequency). This missense change has been observed in individuals with familial exudative vitreoretinopathy (PMID: 30452590). ClinVar contains an entry for this variant (Variation ID: 3764170). Invitae Evidence Modeling of protein sequence and biophysical properties (such as structural, functional, and spatial information, amino acid conservation, physicochemical variation, residue mobility, and thermodynamic stability) has been performed for this missense variant. However, the output from this modeling did not meet the statistical confidence thresholds required to predict the impact of this variant on TSPAN12 protein function. This variant disrupts the p.Gly78 amino acid residue in TSPAN12. Other variant(s) that disrupt this residue have been observed in individuals with TSPAN12-related conditions (PMID: 34860240), which suggests that this may be a clinically significant amino acid residue. In summary, the available evidence is currently insufficient to determine the role of this variant in disease. Therefore, it has been classified as a Variant of Uncertain Significance.

GeneDx
Classification: Uncertain significance. Last evaluated: 2024-08-21. Review status: criteria provided, single submitter. Criteria: GeneDx Variant Classification Process June 2021. Collection method: clinical testing. Allele origin: germline. Affected: yes.
Comment: Reported in two unrelated individuals with familial exudative vitreoretinopathy (FEVR), each inherited the variant from a parent with signs of FEVR (PMID: 30452590); Not observed at significant frequency in large population cohorts (gnomAD); In silico analysis supports that this missense variant has a deleterious effect on protein structure/function; This variant is associated with the following publications: (PMID: 30452590)

Blueprint Genetics
Classification: Likely pathogenic for TSPAN12-related disorders. Last evaluated: 2023-03-27. Review status: criteria provided, single submitter. Criteria: ACMG Guidelines, 2015. Collection method: clinical testing. Allele origin: germline. Affected: yes. Observed: 2 variant alleles.

Literature cited by the submitters: PubMed 30452590 (cited by Labcorp Genetics (formerly Invitae), Labcorp); PubMed 34860240 (cited by Labcorp Genetics (formerly Invitae), Labcorp).

NM_012338.4(TSPAN12):c.233G>A (p.Gly78Glu)

Gene: TSPAN12 (tetraspanin 12; minus strand). Cytogenetic location: 7q31.31.
Variant type: single nucleotide variant.
Coding change: c.233G>A on transcript NM_012338.4 (MANE Select); coding-DNA position 233, G replaced by A.
Protein change: p.Gly78Glu; replaces glycine 78 with glutamic acid.
Molecular consequence: missense variant.
Genome position (GRCh38, 1-based): chr7:120,838,829, C>T on the plus strand (G>A on the coding strand, the complement: TSPAN12 is on the minus strand). VCF-style: chr7-120838829-C-T. GRCh37 (hg19) VCF-style: chr7-120478883-C-T.
Other names: short protein forms G78E.
Identifiers: ClinVar variation 3764170 (VCV003764170.3).